The following is an entry in ClinVar:

NM_001199267.2(DGKZ):c.2278C>T (p.Arg760Trp)

Gene: DGKZ (diacylglycerol kinase zeta; plus strand). Cytogenetic location: 11p11.2.
Variant type: single nucleotide variant.
Coding change: c.2278C>T on transcript NM_001199267.2 (MANE Select); coding-DNA position 2278, C replaced by T.
Protein change: p.Arg760Trp; replaces arginine 760 with tryptophan.
Molecular consequence: missense variant.
Genome position (GRCh38, 1-based): chr11:46,377,151, C>T. VCF-style: chr11-46377151-C-T. GRCh37 (hg19) VCF-style: chr11-46398701-C-T.
Other names: c.2845C>T, p.Arg949Trp (NM_001105540.2); c.2281C>T, p.Arg761Trp (NM_001199266.2, NM_003646.4); c.2212C>T, p.Arg738Trp (NM_001199268.2); c.2329C>T, p.Arg777Trp (NM_201532.3); c.2293C>T, p.Arg765Trp (NM_201533.3); short protein forms R949W, R738W, R760W, R761W, R765W, R777W.
Identifiers: ClinVar variation 2411953 (VCV002411953.4), dbSNP rs779625911, ClinGen allele CA5963161.

ClinVar aggregate classification (germline): Uncertain significance. Review status: criteria provided, multiple submitters, no conflicts (2 of 4 stars). 2 submissions from 2 submitters: Uncertain significance (2). Last evaluated 2024-10-07.

Allele frequency attached by ClinVar (database versions not stated): gnomAD 0.00001; TOPMed 0.00003; ExAC 0.00005; gnomAD exomes 0.00005.
gnomAD v4.1: 71 of 1,612,280 alleles (0.0044%); highest among the groups gnomAD compares: East Asian, 0.058%; no homozygotes.

Submissions (2):

Labcorp Genetics (formerly Invitae), Labcorp
Classification: Uncertain significance. Last evaluated: 2024-10-07. Review status: criteria provided, single submitter. Criteria: Invitae Variant Classification Sherloc (09022015). Collection method: clinical testing. Allele origin: germline.
Comment: This sequence change replaces arginine, which is basic and polar, with tryptophan, which is neutral and slightly polar, at codon 949 of the DGKZ protein (p.Arg949Trp). This variant is present in population databases (rs779625911, gnomAD 0.04%). This variant has not been reported in the literature in individuals affected with DGKZ-related conditions. ClinVar contains an entry for this variant (Variation ID: 2411953). An algorithm developed to predict the effect of missense changes on protein structure and function (PolyPhen-2) suggests that this variant is likely to be tolerated. In summary, the available evidence is currently insufficient to determine the role of this variant in disease. Therefore, it has been classified as a Variant of Uncertain Significance.

Ambry Genetics
Classification: Uncertain significance. Last evaluated: 2022-08-08. Review status: criteria provided, single submitter. Criteria: Ambry Variant Classification Scheme 2023. Collection method: clinical testing. Allele origin: germline.